The following is an entry in ClinVar:

ClinVar aggregate classification (germline): Pathogenic. Review status: criteria provided, multiple submitters, no conflicts (2 of 4 stars). 2 submissions from 2 submitters: Pathogenic (2). Last evaluated 2025-05-11.

Submissions (2):

GeneDx
Classification: Pathogenic. Last evaluated: 2025-05-11. Review status: criteria provided, single submitter. Criteria: GeneDx Variant Classification Process June 2021. Collection method: clinical testing. Allele origin: germline. Affected: yes.
Comment: Identified in a patient with pseudoachondroplasia in published literature (PMID: 9880218); Published functional studies demonstrate a damaging effect by promoting endoplasmic reticulum retention (PMID: 16928687, 17307347); In silico analysis supports that this missense variant has a deleterious effect on protein structure/function; Not observed at significant frequency in large population cohorts (gnomAD); This variant is associated with the following publications: (PMID: 16928687, 17307347, 21922596, 9880218, 28685811)

Labcorp Genetics (formerly Invitae), Labcorp
Classification: Pathogenic. Last evaluated: 2022-05-16. Review status: criteria provided, single submitter. Criteria: Invitae Variant Classification Sherloc (09022015). Collection method: clinical testing. Allele origin: germline.
Comment: Advanced modeling of protein sequence and biophysical properties (such as structural, functional, and spatial information, amino acid conservation, physicochemical variation, residue mobility, and thermodynamic stability) performed at Invitae indicates that this missense variant is expected to disrupt COMP protein function. This missense change has been observed in individuals with autosomal dominant pseudoachondroplasia and/or severe autosomal recessive PSACH (PMID: 9880218, 28685811). It has also been observed to segregate with disease in related individuals. This variant is not present in population databases (gnomAD no frequency). This sequence change replaces aspartic acid, which is acidic and polar, with asparagine, which is neutral and polar, at codon 475 of the COMP protein (p.Asp475Asn). For these reasons, this variant has been classified as Pathogenic.

Literature cited by the submitters: PubMed 9880218 (cited by Labcorp Genetics (formerly Invitae), Labcorp); PubMed 28685811 (cited by Labcorp Genetics (formerly Invitae), Labcorp).

NM_000095.3(COMP):c.1423G>A (p.Asp475Asn)

Gene: COMP (cartilage oligomeric matrix protein; minus strand). Cytogenetic location: 19p13.11.
Variant type: single nucleotide variant.
Coding change: c.1423G>A on transcript NM_000095.3 (MANE Select); coding-DNA position 1423, G replaced by A.
Protein change: p.Asp475Asn; replaces aspartic acid 475 with asparagine.
Molecular consequence: missense variant.
Genome position (GRCh38, 1-based): chr19:18,786,031, C>T on the plus strand (G>A on the coding strand, the complement: COMP is on the minus strand). VCF-style: chr19-18786031-C-T. GRCh37 (hg19) VCF-style: chr19-18896841-C-T.
Other names: c.1423G>A (NM_000095.2); short protein forms D475N.
Identifiers: ClinVar variation 2138263 (VCV002138263.5), dbSNP rs2512847503, ClinGen allele CA404884452.
Genomic context (GRCh38, chr19:18,786,031, plus strand): 5'-CGTCCTCCTGGCCGGGGTTAGGCACCAGGCGGCAGTTGTCCCGACTGTCAGGGACTCCGT[C>T]ATTGTCGTCGTCGTCGTCGCAGGCATCACCCTGGCCATCGTGGTCTGAGTCCTCCTGGGC-3'
Protein context (NP_000086.2, residues 465-485): GDACDDDDDN[Asp475Asn]GVPDSRDNCR